The following is an entry in ClinVar:

NM_014141.6(CNTNAP2):c.2581G>C (p.Asp861His)

Gene: CNTNAP2 (contactin associated protein 2; plus strand). Cytogenetic location: 7q35.
Variant type: single nucleotide variant.
Coding change: c.2581G>C on transcript NM_014141.6 (MANE Select); coding-DNA position 2581, G replaced by C.
Protein change: p.Asp861His; replaces aspartic acid 861 with histidine.
Molecular consequence: missense variant.
Genome position (GRCh38, 1-based): chr7:148,147,517, G>C. VCF-style: chr7-148147517-G-C. GRCh37 (hg19) VCF-style: chr7-147844609-G-C.
Other names: short protein forms D861H.
Identifiers: ClinVar variation 2896881 (VCV002896881.3), dbSNP rs1805209971, ClinGen allele CA369927883.

ClinVar aggregate classification (germline): Uncertain significance (1 of 4 stars; one submission).

Conditions:
Cortical dysplasia-focal epilepsy syndrome (PTHSL1). Also called: Pitt-Hopkins-like syndrome 1. Identifiers: Orphanet 163681, Orphanet 221150, MedGen C2750246, MONDO:0012400, OMIM 610042.

Allele frequency attached by ClinVar (database versions not stated): TOPMed below 0.00001; gnomAD 0.00001.
gnomAD v4.1: 1 of 1,613,964 alleles (0.000062%); highest among the groups gnomAD compares: Admixed American, 0.0017%; no homozygotes.

Submission:

Labcorp Genetics (formerly Invitae), Labcorp
Classification: Uncertain significance for Cortical dysplasia-focal epilepsy syndrome. Last evaluated: 2025-02-24. Review status: criteria provided, single submitter. Criteria: Invitae Variant Classification Sherloc (09022015). Collection method: clinical testing. Allele origin: germline.
Comment: This sequence change replaces aspartic acid, which is acidic and polar, with histidine, which is basic and polar, at codon 861 of the CNTNAP2 protein (p.Asp861His). This variant is not present in population databases (gnomAD no frequency). This variant has not been reported in the literature in individuals affected with CNTNAP2-related conditions. ClinVar contains an entry for this variant (Variation ID: 2896881). An algorithm developed to predict the effect of missense changes on protein structure and function (PolyPhen-2) suggests that this variant is likely to be disruptive. In summary, the available evidence is currently insufficient to determine the role of this variant in disease. Therefore, it has been classified as a Variant of Uncertain Significance.